The following is an entry in ClinVar:

NM_012309.5(SHANK2):c.2021C>T (p.Ala674Val)

Gene: SHANK2 (SH3 and multiple ankyrin repeat domains 2; minus strand). Cytogenetic location: 11q13.4.
Variant type: single nucleotide variant.
Coding change: c.2021C>T on transcript NM_012309.5 (MANE Select); coding-DNA position 2021, C replaced by T.
Protein change: p.Ala674Val; replaces alanine 674 with valine.
Molecular consequence: missense variant. On other transcripts: non-coding transcript variant (1).
Genome position (GRCh38, 1-based): chr11:70,659,868, G>A on the plus strand (C>T on the coding strand, the complement: SHANK2 is on the minus strand). VCF-style: chr11-70659868-G-A. GRCh37 (hg19) VCF-style: chr11-70505973-G-A.
Other names: c.884C>T, p.Ala295Val (NM_001379226.1); c.257C>T, p.Ala86Val (NM_133266.5); short protein forms A295V, A674V, A86V.
Identifiers: ClinVar variation 3778496 (VCV003778496.7).

ClinVar aggregate classification (germline): Uncertain significance (1 of 4 stars; one submission).

gnomAD v4.1: 5 of 1,614,108 alleles (0.00031%); highest among the groups gnomAD compares: Admixed American, 0.0033%; no homozygotes.

Submission:

CeGaT Center for Human Genetics Tuebingen
Classification: Uncertain significance. Last evaluated: 2025-03-01. Review status: criteria provided, single submitter. Criteria: CeGaT Center For Human Genetics Tuebingen Variant Classification Criteria Version 2. Collection method: clinical testing. Allele origin: germline. Affected: yes. Observed: 1 variant allele.
Comment: SHANK2: PM2:Supporting, PP3